The following is an entry in ClinVar:

NM_001197104.2(KMT2A):c.6009C>T (p.Asp2003=)

Gene: KMT2A (lysine methyltransferase 2A; plus strand). Cytogenetic location: 11q23.3.
Variant type: single nucleotide variant.
Coding change: c.6009C>T on transcript NM_001197104.2 (MANE Select); coding-DNA position 6009, C replaced by T.
Protein change: p.Asp2003=; no amino-acid change (aspartic acid 2003 retained).
Molecular consequence: synonymous variant.
Genome position (GRCh38, 1-based): chr11:118,499,350, C>T. VCF-style: chr11-118499350-C-T. GRCh37 (hg19) VCF-style: chr11-118370065-C-T.
Other names: c.6000C>T, p.Asp2000= (NM_005933.4).
Identifiers: ClinVar variation 774701 (VCV000774701.52), dbSNP rs77421119, ClinGen allele CA6304153.

ClinVar aggregate classification (germline): Benign/Likely benign. Review status: criteria provided, multiple submitters, no conflicts (2 of 4 stars). 6 submissions from 6 submitters: Benign (1); Likely benign (5). Last evaluated 2026-01-28.

Allele frequency attached by ClinVar (database versions not stated): gnomAD 0.00086 and 0.00090; 1000 Genomes Project 30x 0.00094; TOPMed 0.00096; 1000 Genomes Project 0.00100; gnomAD exomes 0.00102 and 0.00105; ExAC 0.00103; ESP Exome Variant Server 0.00108.
gnomAD v4.1: 1,640 of 1,613,990 alleles (0.1%); highest among the groups gnomAD compares: Middle Eastern, 0.33%; 1 homozygote.

Submissions (6):

Labcorp Genetics (formerly Invitae), Labcorp
Classification: Benign. Last evaluated: 2026-01-28. Review status: criteria provided, single submitter. Criteria: Invitae Variant Classification Sherloc (09022015). Collection method: clinical testing. Allele origin: germline.

CeGaT Center for Human Genetics Tuebingen
Classification: Likely benign. Last evaluated: 2026-01-01. Review status: criteria provided, single submitter. Criteria: CeGaT Center For Human Genetics Tuebingen Variant Classification Criteria Version 2. Collection method: clinical testing. Allele origin: germline. Affected: yes. Observed: 13 variant alleles.
Comment: KMT2A: BP4, BP7

Blueprint Genetics
Classification: Likely benign. Last evaluated: 2024-11-20. Review status: criteria provided, single submitter. Criteria: ACMG Guidelines, 2015. Collection method: clinical testing. Allele origin: germline.

Genetic Services Laboratory, University of Chicago
Classification: Likely benign. Last evaluated: 2021-06-22. Review status: criteria provided, single submitter. Criteria: ACMG Guidelines, 2015. Collection method: clinical testing. Allele origin: germline. Affected: no.

GeneDx
Classification: Likely benign. Last evaluated: 2019-11-14. Review status: criteria provided, single submitter. Criteria: GeneDx Variant Classification Process June 2021. Collection method: clinical testing. Allele origin: germline. Affected: yes.

Breakthrough Genomics
Classification: Likely benign. Review status: criteria provided, single submitter. Criteria: ACMG Guidelines, 2015. Collection method: not provided. Allele origin: germline. Inheritance: Autosomal dominant inheritance. Affected: yes.